The following is an entry in ClinVar:

ClinVar aggregate classification (germline): Benign/Likely benign. Review status: criteria provided, multiple submitters, no conflicts (2 of 4 stars). 6 submissions from 6 submitters: Benign (5); Likely benign (1). Last evaluated 2026-01-27.

Conditions:
Neuropathy, hereditary sensory and autonomic, type 1C. Also called: HSAN IC; HSN IC. Identifiers: Orphanet 36386, MedGen C3150896, MONDO:0013337, OMIM 613640.

Allele frequency attached by ClinVar (database versions not stated): 1000 Genomes Project 0.00819; 1000 Genomes Project 30x 0.00890; TOPMed 0.01154; ESP Exome Variant Server 0.01230.
gnomAD v4.1: 2,985 of 1,614,158 alleles (0.18%); highest among the groups gnomAD compares: African/African-American, 3.4%; 48 homozygotes.

Submissions (6):

Labcorp Genetics (formerly Invitae), Labcorp
Classification: Benign for Neuropathy, hereditary sensory and autonomic, type 1C. Last evaluated: 2026-01-27. Review status: criteria provided, single submitter. Criteria: Invitae Variant Classification Sherloc (09022015). Collection method: clinical testing. Allele origin: germline.

ARUP Laboratories, Molecular Genetics and Genomics, ARUP Laboratories
Classification: Benign for Neuropathy, hereditary sensory and autonomic, type 1C. Last evaluated: 2023-11-06. Review status: criteria provided, single submitter. Criteria: ARUP Molecular Germline Variant Investigation Process 2024. Collection method: clinical testing. Allele origin: germline.

Fulgent Genetics
Classification: Likely benign for Neuropathy, hereditary sensory and autonomic, type 1C. Last evaluated: 2021-10-08. Review status: criteria provided, single submitter. Criteria: ACMG Guidelines, 2015. Collection method: clinical testing. Allele origin: unknown.

Illumina Laboratory Services, Illumina
Classification: Benign for Neuropathy, hereditary sensory and autonomic, type 1C. Last evaluated: 2018-01-12. Review status: criteria provided, single submitter. Criteria: ICSL Variant Classification Criteria 13 December 2019. Collection method: clinical testing. Allele origin: germline.
Comment: This variant was observed in the ICSL laboratory as part of a predisposition screen in an ostensibly healthy population. It had not been previously curated by ICSL or reported in the Human Gene Mutation Database (HGMD: prior to June 1st, 2018), and was therefore a candidate for classification through an automated scoring system. Utilizing variant allele frequency, disease prevalence and penetrance estimates, and inheritance mode, an automated score was calculated to assess if this variant is too frequent to cause the disease. Based on the score and internal cut-off values, a variant classified as benign is not then subjected to further curation. The score for this variant resulted in a classification of benign for this disease.

GeneDx
Classification: Benign. Last evaluated: 2015-08-05. Review status: criteria provided, single submitter. Criteria: GeneDx Variant Classification (06012015). Collection method: clinical testing. Allele origin: germline. Affected: yes.
Comment: This variant is considered likely benign or benign based on one or more of the following criteria: it is a conservative change, it occurs at a poorly conserved position in the protein, it is predicted to be benign by multiple in silico algorithms, and/or has population frequency not consistent with disease.

Breakthrough Genomics
Classification: Benign. Review status: criteria provided, single submitter. Criteria: ACMG Guidelines, 2015. Collection method: not provided. Allele origin: germline. Inheritance: Autosomal dominant inheritance. Affected: yes.

NM_004863.4(SPTLC2):c.162A>C (p.Leu54=)

Gene: SPTLC2 (serine palmitoyltransferase long chain base subunit 2; minus strand). Cytogenetic location: 14q24.3.
Variant type: single nucleotide variant.
Coding change: c.162A>C on transcript NM_004863.4 (MANE Select); coding-DNA position 162, A replaced by C.
Protein change: p.Leu54=; no amino-acid change (leucine 54 retained).
Molecular consequence: synonymous variant.
Genome position (GRCh38, 1-based): chr14:77,597,351, T>G on the plus strand (A>C on the coding strand, the complement: SPTLC2 is on the minus strand). VCF-style: chr14-77597351-T-G. GRCh37 (hg19) VCF-style: chr14-78063694-T-G.
Identifiers: ClinVar variation 314680 (VCV000314680.24), dbSNP rs115191009, ClinGen allele CA7289503.
Genomic context (GRCh38, chr14:77,597,351, plus strand): 5'-CGTGAGCACAGCAACCAGCATTGGTGTTTCTTCAAAAGCTTCATTAAACGGTCTTTTATA[T>G]AGTCCTCCATTTTGTGTAACATGATGGATCTAAAAGAGAGGTTAAAAATGTTTATTTCCA-3'
Protein context (NP_004854.1, residues 44-64): QIHHVTQNGG[Leu54=]YKRPFNEAFE